The following is an entry in ClinVar:

ClinVar aggregate classification (germline): Uncertain significance (1 of 4 stars; one submission).

Conditions:
Inborn genetic diseases. Identifiers: MedGen C0950123, MeSH D030342.

Submission:

Ambry Genetics
Classification: Uncertain significance for Inborn genetic diseases. Last evaluated: 2026-03-30. Review status: criteria provided, single submitter. Criteria: Ambry Variant Classification Scheme 2023. Collection method: clinical testing. Allele origin: germline.
Comment: The p.D86N variant (also known as c.256G>A), located in coding exon 2 of the ERCC6L2 gene, results from a G to A substitution at nucleotide position 256. The aspartic acid at codon 86 is replaced by asparagine, an amino acid with highly similar properties. This amino acid position is conserved. In addition, this alteration is predicted to be tolerated by in silico analysis. Based on the available evidence, the clinical significance of this variant remains unclear.

NM_020207.7(ERCC6L2):c.256G>A (p.Asp86Asn)

Gene: ERCC6L2 (ERCC excision repair 6 like 2; plus strand). Cytogenetic location: 9q22.32.
Variant type: single nucleotide variant.
Coding change: c.256G>A on transcript NM_020207.7 (MANE Select); coding-DNA position 256, G replaced by A.
Protein change: p.Asp86Asn; replaces aspartic acid 86 with asparagine.
Molecular consequence: missense variant. On other transcripts: non-coding transcript variant (1).
Genome position (GRCh38, 1-based): chr9:95,881,078, G>A. VCF-style: chr9-95881078-G-A. GRCh37 (hg19) VCF-style: chr9-98643360-G-A.
Other names: c.256G>A, p.Asp86Asn (NM_001375294.1, NM_001010895.4, NM_001375291.1 and 2 more transcripts); short protein forms D86N.
Identifiers: ClinVar variation 4870580 (VCV004870580.1).